The following is an entry in ClinVar:

NM_001382241.1(TNPO2):c.176-8C>T

Gene: TNPO2 (transportin 2; minus strand). Cytogenetic location: 19p13.13.
Variant type: single nucleotide variant.
Coding change: c.176-8C>T on transcript NM_001382241.1 (MANE Select); 8 bases into the intron before coding-DNA position 176, C replaced by T.
Molecular consequence: intron variant.
Genome position (GRCh38, 1-based): chr19:12,719,186, G>A on the plus strand (C>T on the coding strand, the complement: TNPO2 is on the minus strand). VCF-style: chr19-12719186-G-A. GRCh37 (hg19) VCF-style: chr19-12830000-G-A.
Other names: c.176-8C>T (NM_001382237.1, NM_001382240.1, NM_001382238.1 and 7 more transcripts).
Identifiers: ClinVar variation 3769196 (VCV003769196.2).

ClinVar aggregate classification (germline): Likely benign (1 of 4 stars; one submission).

Submission:

Women's Health and Genetics/Laboratory Corporation of America, LabCorp
Classification: Likely benign. Last evaluated: 2025-01-08. Review status: criteria provided, single submitter. Criteria: LabCorp Variant Classification Summary - May 2015. Collection method: clinical testing. Allele origin: germline.
Comment: Variant summary: TNPO2 c.176-8C>T alters a non-conserved nucleotide located close to a canonical splice site and therefore could affect mRNA splicing, leading to a significantly altered protein sequence. Consensus agreement among computation tools predict no significant impact on normal splicing. However, these predictions have yet to be confirmed by functional studies. The variant allele was found at a frequency of 1.9e-06 in 1606820 control chromosomes (gnomAD v4.1). To our knowledge, no occurrence of c.176-8C>T in individuals affected with Intellectual Developmental Disorder With Hypotonia, Impaired Speech, And Dysmorphic Facies and no experimental evidence demonstrating its impact on protein function have been reported. No submitters have cited clinical-significance assessments for this variant to ClinVar. Based on the evidence outlined above, the variant was classified as likely benign.